The following is an entry in ClinVar:

NM_002691.4(POLD1):c.2666G>A (p.Arg889His)

Gene: POLD1 (DNA polymerase delta 1, catalytic subunit; plus strand). Cytogenetic location: 19q13.33.
Variant type: single nucleotide variant.
Coding change: c.2666G>A on transcript NM_002691.4 (MANE Select); coding-DNA position 2666, G replaced by A.
Protein change: p.Arg889His; replaces arginine 889 with histidine.
Molecular consequence: missense variant. On other transcripts: non-coding transcript variant (1).
Genome position (GRCh38, 1-based): chr19:50,415,539, G>A. VCF-style: chr19-50415539-G-A. GRCh37 (hg19) VCF-style: chr19-50918796-G-A.
Other names: c.2666G>A, p.Arg889His (NM_001256849.1); c.2744G>A, p.Arg915His (NM_001308632.1); short protein forms R889H, R915H.
Identifiers: ClinVar variation 947742 (VCV000947742.13), dbSNP rs748904485, ClinGen allele CA9596604.

ClinVar aggregate classification (germline): Uncertain significance. Review status: criteria provided, multiple submitters, no conflicts (2 of 4 stars). 2 submissions from 2 submitters: Uncertain significance (2). Last evaluated 2025-03-15.

Conditions:
POLD1-related polyposis and colorectal cancer syndrome (CRCS10). Also called: Colorectal cancer 10; COLORECTAL CANCER, SUSCEPTIBILITY TO, ON CHROMOSOME 19q; Colorectal cancer, susceptibility to, 10. Identifiers: Orphanet 220460, MedGen C2675481, MONDO:0012953, OMIM 612591.
Hereditary cancer-predisposing syndrome. Also called: Hereditary neoplastic syndrome; Tumor predisposition; Neoplastic Syndromes, Hereditary; Hereditary Cancer Syndrome. Identifiers: Orphanet 140162, MedGen C0027672, MeSH D009386, MONDO:0015356.

Allele frequency attached by ClinVar (database versions not stated): ExAC 0.00001.
gnomAD v4.1: 7 of 1,613,084 alleles (0.00043%); highest among the groups gnomAD compares: Non-Finnish European, 0.00059%; no homozygotes.

Submissions (2):

Labcorp Genetics (formerly Invitae), Labcorp
Classification: Uncertain significance for POLD1-related polyposis and colorectal cancer syndrome. Last evaluated: 2025-03-15. Review status: criteria provided, single submitter. Criteria: Invitae Variant Classification Sherloc (09022015). Collection method: clinical testing. Allele origin: germline.
Comment: This sequence change replaces arginine, which is basic and polar, with histidine, which is basic and polar, at codon 889 of the POLD1 protein (p.Arg889His). This variant is present in population databases (rs748904485, gnomAD 0.0009%). This variant has not been reported in the literature in individuals affected with POLD1-related conditions. ClinVar contains an entry for this variant (Variation ID: 947742). Invitae Evidence Modeling of protein sequence and biophysical properties (such as structural, functional, and spatial information, amino acid conservation, physicochemical variation, residue mobility, and thermodynamic stability) indicates that this missense variant is not expected to disrupt POLD1 protein function with a negative predictive value of 80%. In summary, the available evidence is currently insufficient to determine the role of this variant in disease. Therefore, it has been classified as a Variant of Uncertain Significance.

Ambry Genetics
Classification: Uncertain significance for Hereditary cancer-predisposing syndrome. Last evaluated: 2025-02-24. Review status: criteria provided, single submitter. Criteria: Ambry Variant Classification Scheme 2023. Collection method: clinical testing. Allele origin: germline.
Comment: The p.R889H variant (also known as c.2666G>A), located in coding exon 20 of the POLD1 gene, results from a G to A substitution at nucleotide position 2666. The arginine at codon 889 is replaced by histidine, an amino acid with highly similar properties. This amino acid position is conserved. In addition, this alteration is predicted to be tolerated by in silico analysis. Based on the available evidence, the clinical significance of this variant remains unclear.